The following is an entry in ClinVar:

ClinVar aggregate classification (germline): Likely pathogenic (1 of 4 stars; one submission).

Conditions:
Neuromuscular disease caused by qualitative or quantitative defects of dysferlin. Also called: Qualitative or quantitative defects of dysferlin; Dysferlinopathy. Identifiers: Orphanet 207073, MedGen C2931687, MONDO:0016145.

Submission:

Labcorp Genetics (formerly Invitae), Labcorp
Classification: Likely pathogenic for Neuromuscular disease caused by qualitative or quantitative defects of dysferlin. Last evaluated: 2022-06-27. Review status: criteria provided, single submitter. Criteria: Invitae Variant Classification Sherloc (09022015). Collection method: clinical testing. Allele origin: germline.
Comment: This sequence change replaces tryptophan, which is neutral and slightly polar, with arginine, which is basic and polar, at codon 46 of the DYSF protein (p.Trp46Arg). This variant is not present in population databases (gnomAD no frequency). In summary, the currently available evidence indicates that the variant is pathogenic, but additional data are needed to prove that conclusively. Therefore, this variant has been classified as Likely Pathogenic. Advanced modeling of protein sequence and biophysical properties (such as structural, functional, and spatial information, amino acid conservation, physicochemical variation, residue mobility, and thermodynamic stability) performed at Invitae indicates that this missense variant is expected to disrupt DYSF protein function. ClinVar contains an entry for this variant (Variation ID: 962048). This missense change has been observed in individual(s) with clinical features of limb-girdle muscular dystrophy (PMID: 25591676).

Literature cited by the submitters: PubMed 25591676.

NM_001130987.2(DYSF):c.139T>C (p.Trp47Arg)

Gene: DYSF (dysferlin; plus strand). Cytogenetic location: 2p13.2.
Variant type: single nucleotide variant.
Coding change: c.139T>C on transcript NM_001130987.2 (MANE Select); coding-DNA position 139, T replaced by C.
Protein change: p.Trp47Arg; replaces tryptophan 47 with arginine.
Molecular consequence: missense variant.
Genome position (GRCh38, 1-based): chr2:71,480,930, T>C. VCF-style: chr2-71480930-T-C. GRCh37 (hg19) VCF-style: chr2-71708060-T-C.
Other names: c.139T>C, p.Trp47Arg (NM_001130455.2, NM_001130982.2, NM_001130983.2 and 3 more transcripts); c.136T>C, p.Trp46Arg (NM_001130976.2, NM_001130977.2, NM_001130978.2 and 4 more transcripts); short protein forms W46R, W47R.
Identifiers: ClinVar variation 962048 (VCV000962048.9), dbSNP rs2082832384, ClinGen allele CA347216094.